The following is an entry in ClinVar:

ClinVar aggregate classification (germline): Uncertain significance (1 of 4 stars; one submission).

gnomAD v4.1: 3 of 1,489,650 alleles (0.0002%); highest among the groups gnomAD compares: African/African-American, 0.0028%; no homozygotes.

Submission:

Labcorp Genetics (formerly Invitae), Labcorp
Classification: Uncertain significance. Last evaluated: 2024-03-12. Review status: criteria provided, single submitter. Criteria: Invitae Variant Classification Sherloc (09022015). Collection method: clinical testing. Allele origin: germline.
Comment: This sequence change replaces serine, which is neutral and polar, with proline, which is neutral and non-polar, at codon 1452 of the TOP2B protein (p.Ser1452Pro). This variant is not present in population databases (gnomAD no frequency). This variant has not been reported in the literature in individuals affected with TOP2B-related conditions. An algorithm developed to predict the effect of missense changes on protein structure and function (PolyPhen-2) suggests that this variant is likely to be tolerated. In summary, the available evidence is currently insufficient to determine the role of this variant in disease. Therefore, it has been classified as a Variant of Uncertain Significance.

NM_001330700.2(TOP2B):c.4369T>C (p.Ser1457Pro)

Gene: TOP2B (DNA topoisomerase II beta; minus strand). Cytogenetic location: 3p24.2.
Variant type: single nucleotide variant.
Coding change: c.4369T>C on transcript NM_001330700.2 (MANE Select); coding-DNA position 4369, T replaced by C.
Protein change: p.Ser1457Pro; replaces serine 1457 with proline.
Molecular consequence: missense variant.
Genome position (GRCh38, 1-based): chr3:25,606,052, A>G on the plus strand (T>C on the coding strand, the complement: TOP2B is on the minus strand). VCF-style: chr3-25606052-A-G. GRCh37 (hg19) VCF-style: chr3-25647543-A-G.
Other names: c.4354T>C, p.Ser1452Pro (NM_001068.3); short protein forms S1452P, S1457P.
Identifiers: ClinVar variation 3604711 (VCV003604711.2).
Genomic context (GRCh38, chr3:25,606,052, plus strand): 5'-ACCACTAAAAGCAATAATACAATAACCAATGAAAAGACTAAATGAACATACCATCTTCTG[A>G]CTTCTGAGAATATGAAGGAAATGAGAAGAGATTTCCAAAATCCTGACTTTTTTTGTCATG-3'
Protein context (NP_001317629.1, residues 1447-1467): LFSFPSYSQK[Ser1457Pro]EDDSAKFDSN